The following is an entry in ClinVar:

NM_001042492.3(NF1):c.2900T>C (p.Ile967Thr)

Gene: NF1 (neurofibromin 1; plus strand). Cytogenetic location: 17q11.2.
Variant type: single nucleotide variant.
Coding change: c.2900T>C on transcript NM_001042492.3 (MANE Select); coding-DNA position 2900, T replaced by C.
Protein change: p.Ile967Thr; replaces isoleucine 967 with threonine.
Molecular consequence: missense variant.
Genome position (GRCh38, 1-based): chr17:31,229,884, T>C. VCF-style: chr17-31229884-T-C. GRCh37 (hg19) VCF-style: chr17-29556902-T-C.
Other names: c.2900T>C, p.Ile967Thr (NM_000267.4); short protein forms I967T.
Identifiers: ClinVar variation 1517341 (VCV001517341.10), dbSNP rs1289091384, ClinGen allele CA398986124.

ClinVar aggregate classification (germline): Uncertain significance. Review status: criteria provided, multiple submitters, no conflicts (2 of 4 stars). 3 submissions from 3 submitters: Uncertain significance (3). Last evaluated 2023-07-05.

Conditions:
Neurofibromatosis, type 1 (NF1). Also called: Neurofibromatosis, type I; Peripheral type neurofibromatosis; VON RECKLINGHAUSEN DISEASE; NEUROFIBROMATOSIS, TYPE I, SOMATIC. Identifiers: Orphanet 636, MedGen C0027831, MONDO:0018975, OMIM 162200. Disease mechanism: loss of function.
Hereditary cancer-predisposing syndrome. Also called: Neoplastic Syndromes, Hereditary; Hereditary Cancer Syndrome; Tumor predisposition; Hereditary neoplastic syndrome. Identifiers: Orphanet 140162, MedGen C0027672, MeSH D009386, MONDO:0015356.
Cardiovascular phenotype. Identifiers: MedGen CN230736.

Allele frequency attached by ClinVar (database versions not stated): gnomAD exomes below 0.00001.

Submissions (3):

Ambry Genetics
Classification: Uncertain significance for Cardiovascular phenotype; Hereditary cancer-predisposing syndrome. Last evaluated: 2023-07-05. Review status: criteria provided, single submitter. Criteria: Ambry Variant Classification Scheme 2023. Collection method: clinical testing. Allele origin: germline.
Comment: The p.I967T variant (also known as c.2900T>C), located in coding exon 22 of the NF1 gene, results from a T to C substitution at nucleotide position 2900. The isoleucine at codon 967 is replaced by threonine, an amino acid with similar properties. This amino acid position is conserved. In addition, this alteration is predicted to be deleterious by in silico analysis. Since supporting evidence is limited at this time, the clinical significance of this alteration remains unclear.

Labcorp Genetics (formerly Invitae), Labcorp
Classification: Uncertain significance for Neurofibromatosis, type 1. Last evaluated: 2023-04-28. Review status: criteria provided, single submitter. Criteria: Invitae Variant Classification Sherloc (09022015). Collection method: clinical testing. Allele origin: germline.
Comment: This variant has not been reported in the literature in individuals affected with NF1-related conditions. In summary, the available evidence is currently insufficient to determine the role of this variant in disease. Therefore, it has been classified as a Variant of Uncertain Significance. Advanced modeling of protein sequence and biophysical properties (such as structural, functional, and spatial information, amino acid conservation, physicochemical variation, residue mobility, and thermodynamic stability) performed at Invitae indicates that this missense variant is expected to disrupt NF1 protein function. ClinVar contains an entry for this variant (Variation ID: 1517341). This variant is present in population databases (no rsID available, gnomAD 0.0009%). This sequence change replaces isoleucine, which is neutral and non-polar, with threonine, which is neutral and polar, at codon 967 of the NF1 protein (p.Ile967Thr).

Clinical Genetics Laboratory, Skane University Hospital Lund
Classification: Uncertain significance. Last evaluated: 2022-05-27. Review status: criteria provided, single submitter. Criteria: ACMG Guidelines, 2015. Collection method: clinical testing. Allele origin: germline. Affected: yes.